The following is an entry in ClinVar:

ClinVar aggregate classification (germline): Likely benign (1 of 4 stars; one submission).

Allele frequency attached by ClinVar (database versions not stated): ESP Exome Variant Server 0.00008; TOPMed 0.00010; gnomAD 0.00011; gnomAD exomes 0.00014; 1000 Genomes Project 30x 0.00016; 1000 Genomes Project 0.00020; ExAC 0.00026.
gnomAD v4.1: 217 of 1,571,068 alleles (0.014%); highest among the groups gnomAD compares: Non-Finnish European, 0.018%; no homozygotes.

Submission:

CeGaT Center for Human Genetics Tuebingen
Classification: Likely benign. Last evaluated: 2022-10-01. Review status: criteria provided, single submitter. Criteria: CeGaT Center For Human Genetics Tuebingen Variant Classification Criteria Version 2. Collection method: clinical testing. Allele origin: germline. Affected: yes. Observed: 1 variant allele.
Comment: PAX7: BP4, BP7

NM_001135254.2(PAX7):c.588G>A (p.Gly196=)

Gene: PAX7 (paired box 7; plus strand). Cytogenetic location: 1p36.13.
Variant type: single nucleotide variant.
Coding change: c.588G>A on transcript NM_001135254.2 (MANE Select); coding-DNA position 588, G replaced by A.
Protein change: p.Gly196=; no amino-acid change (glycine 196 retained).
Molecular consequence: synonymous variant.
Genome position (GRCh38, 1-based): chr1:18,691,755, G>A. VCF-style: chr1-18691755-G-A. GRCh37 (hg19) VCF-style: chr1-19018249-G-A.
Other names: c.588G>A, p.Gly196= (NM_002584.3); c.582G>A, p.Gly194= (NM_013945.3).
Identifiers: ClinVar variation 2638403 (VCV002638403.24), dbSNP rs188580087, ClinGen allele CA645730.